The following is an entry in ClinVar:

NM_016169.4(SUFU):c.136C>A (p.Pro46Thr)

Gene: SUFU (SUFU negative regulator of hedgehog signaling; plus strand). Cytogenetic location: 10q24.32.
Variant type: single nucleotide variant.
Coding change: c.136C>A on transcript NM_016169.4 (MANE Select); coding-DNA position 136, C replaced by A.
Protein change: p.Pro46Thr; replaces proline 46 with threonine.
Molecular consequence: missense variant.
Genome position (GRCh38, 1-based): chr10:102,504,288, C>A. VCF-style: chr10-102504288-C-A. GRCh37 (hg19) VCF-style: chr10-104264045-C-A.
Other names: c.136C>A, p.Pro46Thr (NM_001178133.2); short protein forms P46T.
Identifiers: ClinVar variation 2942151 (VCV002942151.4), dbSNP rs748377573, ClinGen allele CA377886590.

ClinVar aggregate classification (germline): Uncertain significance. Review status: criteria provided, multiple submitters, no conflicts (2 of 4 stars). 2 submissions from 2 submitters: Uncertain significance (2). Last evaluated 2024-12-31.

Conditions:
Hereditary cancer-predisposing syndrome. Also called: Neoplastic Syndromes, Hereditary; Tumor predisposition; Hereditary Cancer Syndrome; Hereditary neoplastic syndrome. Identifiers: Orphanet 140162, MedGen C0027672, MeSH D009386, MONDO:0015356.
Gorlin syndrome. Also called: Nevoid Basal Cell Carcinoma Syndrome; Basal cell nevus syndrome. Identifiers: Orphanet 377, MedGen C0004779, MONDO:0007187.
Medulloblastoma (MDB). Also called: MEDULLOBLASTOMA PREDISPOSITION SYNDROME; Medulloblastoma, somatic. Identifiers: Orphanet 616, MedGen C0025149, MeSH D008527, MONDO:0007959, OMIM 155255, HP:0002885.

Submissions (2):

Ambry Genetics
Classification: Uncertain significance for Hereditary cancer-predisposing syndrome. Last evaluated: 2024-12-31. Review status: criteria provided, single submitter. Criteria: Ambry Variant Classification Scheme 2023. Collection method: clinical testing. Allele origin: germline.
Comment: The p.P46T variant (also known as c.136C>A), located in coding exon 1 of the SUFU gene, results from a C to A substitution at nucleotide position 136. The proline at codon 46 is replaced by threonine, an amino acid with highly similar properties. This amino acid position is conserved. In addition, this alteration is predicted to be deleterious by in silico analysis. Based on the available evidence, the clinical significance of this variant remains unclear.

Labcorp Genetics (formerly Invitae), Labcorp
Classification: Uncertain significance for Gorlin syndrome; Medulloblastoma. Last evaluated: 2023-06-23. Review status: criteria provided, single submitter. Criteria: Invitae Variant Classification Sherloc (09022015). Collection method: clinical testing. Allele origin: germline.
Comment: This sequence change replaces proline, which is neutral and non-polar, with threonine, which is neutral and polar, at codon 46 of the SUFU protein (p.Pro46Thr). This variant is not present in population databases (gnomAD no frequency). This variant has not been reported in the literature in individuals affected with SUFU-related conditions. Advanced modeling of protein sequence and biophysical properties (such as structural, functional, and spatial information, amino acid conservation, physicochemical variation, residue mobility, and thermodynamic stability) performed at Invitae indicates that this missense variant is not expected to disrupt SUFU protein function. In summary, the available evidence is currently insufficient to determine the role of this variant in disease. Therefore, it has been classified as a Variant of Uncertain Significance.